The following is an entry in ClinVar:

ClinVar aggregate classification (germline): Uncertain significance (1 of 4 stars; one submission).

Submission:

Labcorp Genetics (formerly Invitae), Labcorp
Classification: Uncertain significance. Last evaluated: 2022-10-17. Review status: criteria provided, single submitter. Criteria: Invitae Variant Classification Sherloc (09022015). Collection method: clinical testing. Allele origin: germline.
Comment: In summary, the available evidence is currently insufficient to determine the role of this variant in disease. Therefore, it has been classified as a Variant of Uncertain Significance. Advanced modeling of protein sequence and biophysical properties (such as structural, functional, and spatial information, amino acid conservation, physicochemical variation, residue mobility, and thermodynamic stability) performed at Invitae indicates that this missense variant is not expected to disrupt FAT4 protein function. ClinVar contains an entry for this variant (Variation ID: 1390856). This variant has not been reported in the literature in individuals affected with FAT4-related conditions. This variant is not present in population databases (gnomAD no frequency). This sequence change replaces asparagine, which is neutral and polar, with lysine, which is basic and polar, at codon 3027 of the FAT4 protein (p.Asn3027Lys).

NM_001291303.3(FAT4):c.9087C>A (p.Asn3029Lys)

Gene: FAT4 (FAT atypical cadherin 4; plus strand). Cytogenetic location: 4q28.1.
Variant type: single nucleotide variant.
Coding change: c.9087C>A on transcript NM_001291303.3 (MANE Select); coding-DNA position 9087, C replaced by A.
Protein change: p.Asn3029Lys; replaces asparagine 3029 with lysine.
Molecular consequence: missense variant.
Genome position (GRCh38, 1-based): chr4:125,450,097, C>A. VCF-style: chr4-125450097-C-A. GRCh37 (hg19) VCF-style: chr4-126371252-C-A.
Other names: c.9087C>A, p.Asn3029Lys (NM_001291285.3); c.9081C>A, p.Asn3027Lys (NM_024582.6); short protein forms N3029K, N3027K.
Identifiers: ClinVar variation 1390856 (VCV001390856.6), dbSNP rs201663831, ClinGen allele CA358149662.
Genomic context (GRCh38, chr4:125,450,097, plus strand): 5'-AATAGATGACAAAGATTTTGGACTGAATTCAGAAGTGGAGTATTTCATTTCTAATGATAA[C>A]CATTTAGGAAAATTTAAGTTGGACAATGATACGGGGTGGATTTCAGTAGCATCCTCCCTG-3'
Protein context (NP_001278232.1, residues 3019-3039): SEVEYFISND[Asn3029Lys]HLGKFKLDND